The following is an entry in ClinVar:

ClinVar aggregate classification (germline): Uncertain significance (1 of 4 stars; one submission).

gnomAD v4.1: 13 of 1,614,034 alleles (0.00081%); highest among the groups gnomAD compares: South Asian, 0.0055%; no homozygotes.

Submission:

Labcorp Genetics (formerly Invitae), Labcorp
Classification: Uncertain significance. Last evaluated: 2025-03-18. Review status: criteria provided, single submitter. Criteria: Invitae Variant Classification Sherloc (09022015). Collection method: clinical testing. Allele origin: germline.
Comment: This sequence change replaces glutamic acid, which is acidic and polar, with lysine, which is basic and polar, at codon 1951 of the MYH7B protein (p.Glu1951Lys). This variant is present in population databases (rs373110411, gnomAD 0.003%). This variant has not been reported in the literature in individuals affected with MYH7B-related conditions. Invitae Evidence Modeling of protein sequence and biophysical properties (such as structural, functional, and spatial information, amino acid conservation, physicochemical variation, residue mobility, and thermodynamic stability) indicates that this missense variant is expected to disrupt MYH7B protein function with a positive predictive value of 80%. In summary, the available evidence is currently insufficient to determine the role of this variant in disease. Therefore, it has been classified as a Variant of Uncertain Significance.

NM_020884.7(MYH7B):c.5725G>A (p.Glu1909Lys)

Gene: MYH7B (myosin heavy chain 7B; plus strand). Cytogenetic location: 20q11.22.
Variant type: single nucleotide variant.
Coding change: c.5725G>A on transcript NM_020884.7 (MANE Select); coding-DNA position 5725, G replaced by A.
Protein change: p.Glu1909Lys; replaces glutamic acid 1909 with lysine.
Molecular consequence: missense variant.
Genome position (GRCh38, 1-based): chr20:35,001,996, G>A. VCF-style: chr20-35001996-G-A. GRCh37 (hg19) VCF-style: chr20-33589799-G-A.
Other names: short protein forms E1909K.
Identifiers: ClinVar variation 4778085 (VCV004778085.1).